The following is an entry in ClinVar:

ClinVar aggregate classification (germline): Uncertain significance (1 of 4 stars; one submission).

Conditions:
Brown-Vialetto-van Laere syndrome 2. Also called: SPINOCEREBELLAR ATAXIA WITH BLINDNESS AND DEAFNESS 2; Riboflavin transporter deficiency type 2. Identifiers: Orphanet 572543, Orphanet 97229, MedGen C3553538, MONDO:0013867, OMIM 614707.

Submission:

Labcorp Genetics (formerly Invitae), Labcorp
Classification: Uncertain significance for Brown-Vialetto-van Laere syndrome 2. Last evaluated: 2022-07-08. Review status: criteria provided, single submitter. Criteria: Invitae Variant Classification Sherloc (09022015). Collection method: clinical testing. Allele origin: germline.
Comment: This sequence change affects codon 86 of the SLC52A2 mRNA. It is a 'silent' change, meaning that it does not change the encoded amino acid sequence of the SLC52A2 protein. This variant is not present in population databases (gnomAD no frequency). This variant has not been reported in the literature in individuals affected with SLC52A2-related conditions. Algorithms developed to predict the effect of sequence changes on RNA splicing suggest that this variant may disrupt the consensus splice site. In summary, the available evidence is currently insufficient to determine the role of this variant in disease. Therefore, it has been classified as a Variant of Uncertain Significance.

NM_001363118.2(SLC52A2):c.258G>C (p.Val86=)

Gene: SLC52A2 (solute carrier family 52 member 2; plus strand). Cytogenetic location: 8q24.3.
Variant type: single nucleotide variant.
Coding change: c.258G>C on transcript NM_001363118.2 (MANE Select); coding-DNA position 258, G replaced by C.
Protein change: p.Val86=; no amino-acid change (valine 86 retained).
Molecular consequence: synonymous variant. On other transcripts: 5 prime UTR variant (1), non-coding transcript variant (1), intron variant (1).
Genome position (GRCh38, 1-based): chr8:144,359,750, G>C. VCF-style: chr8-144359750-G-C. GRCh37 (hg19) VCF-style: chr8-145583410-G-C.
Other names: c.258G>C, p.Val86= (NM_001253815.2, NM_001253816.2, NM_001363120.2 and 2 more transcripts); c.-7G>C (NM_001410949.1); c.130+327G>C (NM_001363122.2).
Identifiers: ClinVar variation 2074710 (VCV002074710.1), dbSNP rs2489039182, ClinGen allele CA463549641.